The following is an entry in ClinVar:

ClinVar aggregate classification (germline): Likely benign. Review status: criteria provided, multiple submitters, no conflicts (2 of 4 stars). 2 submissions from 2 submitters: Likely benign (2). Last evaluated 2025-06-30.

Conditions:
DNMT1-related disorder. Also called: DNMT1-related condition. Identifiers: MedGen CN381527.
Hereditary sensory neuropathy-deafness-dementia syndrome. Also called: Hereditary sensory neuropathy type IE; HSN IE; NEUROPATHY, HEREDITARY SENSORY, WITH HEARING LOSS AND DEMENTIA; Hereditary Sensory and Autonomic Neuropathy Type 1E (HSAN1E). Identifiers: Orphanet 456318, MedGen C3279885, MONDO:0013584, OMIM 614116.

Allele frequency attached by ClinVar (database versions not stated): ExAC 0.00002; gnomAD exomes 0.00002; gnomAD 0.00005 and 0.00006; TOPMed 0.00006.
gnomAD v4.1: 34 of 1,613,820 alleles (0.0021%); highest among the groups gnomAD compares: Admixed American, 0.013%; no homozygotes.

Submissions (2):

Labcorp Genetics (formerly Invitae), Labcorp
Classification: Likely benign for Hereditary sensory neuropathy-deafness-dementia syndrome. Last evaluated: 2025-06-30. Review status: criteria provided, single submitter. Criteria: Invitae Variant Classification Sherloc (09022015). Collection method: clinical testing. Allele origin: germline.

PreventionGenetics, part of Exact Sciences
Classification: Likely benign for DNMT1-related condition. Last evaluated: 2025-05-30. Review status: criteria provided, single submitter. Criteria: ACMG Guidelines, 2015. Collection method: clinical testing. Allele origin: germline.
Comment: This variant is classified as likely benign based on ACMG/AMP sequence variant interpretation guidelines (Richards et al. 2015 PMID: 25741868, with internal and published modifications).

NM_001130823.3(DNMT1):c.3738C>T (p.Ser1246=)

Gene: DNMT1 (DNA methyltransferase 1; minus strand). Cytogenetic location: 19p13.2.
Variant type: single nucleotide variant.
Coding change: c.3738C>T on transcript NM_001130823.3 (MANE Select); coding-DNA position 3738, C replaced by T.
Protein change: p.Ser1246=; no amino-acid change (serine 1246 retained).
Molecular consequence: synonymous variant.
Genome position (GRCh38, 1-based): chr19:10,140,114, G>A on the plus strand (C>T on the coding strand, the complement: DNMT1 is on the minus strand). VCF-style: chr19-10140114-G-A. GRCh37 (hg19) VCF-style: chr19-10250790-G-A.
Other names: c.3375C>T, p.Ser1125= (NM_001318731.2); c.3690C>T, p.Ser1230= (NM_001379.4, NM_001318730.2); c.3738C>T (NM_001130823.2).
Identifiers: ClinVar variation 1129123 (VCV001129123.10), dbSNP rs776059556, ClinGen allele CA9187685.